The following is an entry in ClinVar:

NM_032108.4(SEMA6B):c.506G>A (p.Ser169Asn)

Gene: SEMA6B (semaphorin 6B; minus strand). Cytogenetic location: 19p13.3.
Variant type: single nucleotide variant.
Coding change: c.506G>A on transcript NM_032108.4 (MANE Select); coding-DNA position 506, G replaced by A.
Protein change: p.Ser169Asn; replaces serine 169 with asparagine.
Molecular consequence: missense variant.
Genome position (GRCh38, 1-based): chr19:4,555,530, C>T on the plus strand (G>A on the coding strand, the complement: SEMA6B is on the minus strand). VCF-style: chr19-4555530-C-T. GRCh37 (hg19) VCF-style: chr19-4555542-C-T.
Other names: short protein forms S169N.
Identifiers: ClinVar variation 3774863 (VCV003774863.1).
Genomic context (GRCh38, chr19:4,555,530, plus strand): 5'-TTACCAGAGAAGAGGGCAACATTGGCGTGCTTGGGGTCGTACGGGCAGCGGGCCATACCG[C>T]TGATGTTGTCTCCGACGGGCTGCAGGGTGTCTATCTGCAGGGACCATGGGGCCTGAGTGA-3'
Protein context (NP_115484.2, residues 159-179): DTLQPVGDNI[Ser169Asn]GMARCPYDPK

ClinVar aggregate classification (germline): Uncertain significance (1 of 4 stars; one submission).

gnomAD v4.1: 2 of 1,613,790 alleles (0.00012%); highest among the groups gnomAD compares: Non-Finnish European, 0.00017%; no homozygotes.

Submission:

GeneDx
Classification: Uncertain significance. Last evaluated: 2024-09-27. Review status: criteria provided, single submitter. Criteria: GeneDx Variant Classification Process June 2021. Collection method: clinical testing. Allele origin: germline. Affected: yes.
Comment: Not observed at significant frequency in large population cohorts (gnomAD); In silico analysis supports that this missense variant has a deleterious effect on protein structure/function; Has not been previously published as pathogenic or benign to our knowledge